The following is an entry in ClinVar:

ClinVar aggregate classification (germline): Likely benign (1 of 4 stars; one submission).

Allele frequency attached by ClinVar (database versions not stated): 1000 Genomes Project 0.00180; 1000 Genomes Project 30x 0.00250; gnomAD 0.00303; TOPMed 0.00321; gnomAD exomes 0.00420.

Submission:

CeGaT Center for Human Genetics Tuebingen
Classification: Likely benign. Last evaluated: 2024-06-01. Review status: criteria provided, single submitter. Criteria: CeGaT Center For Human Genetics Tuebingen Variant Classification Criteria Version 2. Collection method: clinical testing. Allele origin: germline. Affected: yes. Observed: 1 variant allele.
Comment: PERCC1: BP4, BP7

NM_001365310.2(PERCC1):c.45C>T (p.Pro15=)

Gene: PERCC1 (proline and glutamate rich with coiled coil 1; plus strand). Cytogenetic location: 16p13.3.
Variant type: single nucleotide variant.
Coding change: c.45C>T on transcript NM_001365310.2 (MANE Select); coding-DNA position 45, C replaced by T.
Protein change: p.Pro15=; no amino-acid change (proline 15 retained).
Molecular consequence: synonymous variant.
Genome position (GRCh38, 1-based): chr16:1,432,638, C>T. VCF-style: chr16-1432638-C-T. GRCh37 (hg19) VCF-style: chr16-1482639-C-T.
Identifiers: ClinVar variation 3250540 (VCV003250540.18), dbSNP rs185485996.